The following is an entry in ClinVar:

ClinVar aggregate classification (germline): Uncertain significance (1 of 4 stars; one submission).

Conditions:
Focal segmental glomerulosclerosis 5 (FSGS5). Identifiers: Orphanet 656, MedGen C2750475, MONDO:0013191, OMIM 613237.
Charcot-Marie-Tooth disease dominant intermediate E. Also called: CHARCOT-MARIE-TOOTH NEUROPATHY WITH FOCAL SEGMENTAL GLOMERULONEPHRITIS. Identifiers: Orphanet 93114, MedGen C4302667, MONDO:0013758, OMIM 614455.

Submission:

Labcorp Genetics (formerly Invitae), Labcorp
Classification: Uncertain significance for Charcot-Marie-Tooth disease dominant intermediate E; Focal segmental glomerulosclerosis 5. Last evaluated: 2021-08-03. Review status: criteria provided, single submitter. Criteria: Invitae Variant Classification Sherloc (09022015). Collection method: clinical testing. Allele origin: germline.
Comment: This sequence change replaces methionine with threonine at codon 469 of the INF2 protein (p.Met469Thr). The methionine residue is weakly conserved and there is a moderate physicochemical difference between methionine and threonine. In summary, the available evidence is currently insufficient to determine the role of this variant in disease. Therefore, it has been classified as a Variant of Uncertain Significance. Algorithms developed to predict the effect of missense changes on protein structure and function output the following: SIFT: "Tolerated"; PolyPhen-2: "Not Available"; Align-GVGD: "Class C0". The threonine amino acid residue is found in multiple mammalian species, which suggests that this missense change does not adversely affect protein function. This variant has not been reported in the literature in individuals affected with INF2-related conditions. The frequency data for this variant in the population databases is considered unreliable, as metrics indicate insufficient coverage at this position in the ExAC database.

NM_022489.4(INF2):c.1406T>C (p.Met469Thr)

Gene: INF2 (inverted formin 2; plus strand). Cytogenetic location: 14q32.33.
Variant type: single nucleotide variant.
Coding change: c.1406T>C on transcript NM_022489.4 (MANE Select); coding-DNA position 1406, T replaced by C.
Protein change: p.Met469Thr; replaces methionine 469 with threonine.
Molecular consequence: missense variant.
Genome position (GRCh38, 1-based): chr14:104,707,673, T>C. VCF-style: chr14-104707673-T-C. GRCh37 (hg19) VCF-style: chr14-105174010-T-C.
Other names: c.1406T>C, p.Met469Thr (NM_001031714.4); short protein forms M469T.
Identifiers: ClinVar variation 1408923 (VCV001408923.6), dbSNP rs1889849217, ClinGen allele CA391216892.